The following is an entry in ClinVar:

NM_020247.5(COQ8A):c.238C>T (p.His80Tyr)

Gene: COQ8A (coenzyme Q8A; plus strand). Cytogenetic location: 1q42.13.
Variant type: single nucleotide variant.
Coding change: c.238C>T on transcript NM_020247.5 (MANE Select); coding-DNA position 238, C replaced by T.
Protein change: p.His80Tyr; replaces histidine 80 with tyrosine.
Molecular consequence: missense variant.
Genome position (GRCh38, 1-based): chr1:226,965,060, C>T. VCF-style: chr1-226965060-C-T. GRCh37 (hg19) VCF-style: chr1-227152761-C-T.
Other names: p.H80Y:CAC>TAC; p.His80Tyr; short protein forms H80Y.
Identifiers: ClinVar variation 214026 (VCV000214026.33), dbSNP rs76249490, ClinGen allele CA320593.
Genomic context (GRCh38, chr1:226,965,060, plus strand): 5'-GGTCAGGATAAACATGAAGAATATTTTGCTGAGAACTTCGGCGGCCCAGAAGGGGAGTTC[C>T]ACTTCTCAGTCCCGCATGCAGCCGGAGCCTCCACAGACTTCTCTTCAGCCTCCGCTCCCG-3'
Protein context (NP_064632.2, residues 70-90): ENFGGPEGEF[His80Tyr]FSVPHAAGAS

ClinVar aggregate classification (germline): Benign/Likely benign. Review status: criteria provided, multiple submitters, no conflicts (2 of 4 stars). 8 submissions from 8 submitters: Benign (7); Likely benign (1). Last evaluated 2026-07-01.

Conditions:
Autosomal recessive ataxia due to ubiquinone deficiency. Also called: Coenzyme Q10 deficiency, primary, 4; SPINOCEREBELLAR ATAXIA, AUTOSOMAL RECESSIVE 9. Identifiers: Orphanet 139485, MedGen C2677589, MONDO:0012784, OMIM 612016.

Allele frequency attached by ClinVar (database versions not stated): ESP Exome Variant Server 0.00031; gnomAD 0.00140 and 0.00252; gnomAD exomes 0.00226 and 0.00661; TOPMed 0.00238; ExAC 0.00643; 1000 Genomes Project 30x 0.01390; 1000 Genomes Project 0.01558.
gnomAD v4.1: 3,788 of 1,614,012 alleles (0.23%); highest among the groups gnomAD compares: East Asian, 3.7%; 87 homozygotes.

Submissions (8):

CeGaT Center for Human Genetics Tuebingen
Classification: Benign. Last evaluated: 2026-07-01. Review status: criteria provided, single submitter. Criteria: CeGaT Center For Human Genetics Tuebingen Variant Classification Criteria Version 2. Collection method: clinical testing. Allele origin: germline. Affected: yes. Observed: 3 variant alleles.
Comment: COQ8A: BP4, BS1, BS2

Labcorp Genetics (formerly Invitae), Labcorp
Classification: Benign. Last evaluated: 2026-01-25. Review status: criteria provided, single submitter. Criteria: Invitae Variant Classification Sherloc (09022015). Collection method: clinical testing. Allele origin: germline.

Athena Diagnostics
Classification: Benign. Last evaluated: 2024-06-25. Review status: criteria provided, single submitter. Criteria: Athena Diagnostics Criteria. Collection method: clinical testing. Allele origin: unknown.

Mayo Clinic Laboratories, Mayo Clinic
Classification: Benign. Last evaluated: 2023-05-12. Review status: criteria provided, single submitter. Criteria: ACMG Guidelines, 2015. Collection method: clinical testing. Allele origin: germline. Observed: 8 variant alleles.
Comment: BA1, BP4

Fulgent Genetics
Classification: Benign for Autosomal recessive ataxia due to ubiquinone deficiency. Last evaluated: 2022-01-07. Review status: criteria provided, single submitter. Criteria: ACMG Guidelines, 2015. Collection method: clinical testing. Allele origin: unknown.

Illumina Laboratory Services, Illumina
Classification: Benign for Autosomal recessive ataxia due to ubiquinone deficiency. Last evaluated: 2018-01-13. Review status: criteria provided, single submitter. Criteria: ICSL Variant Classification Criteria 13 December 2019. Collection method: clinical testing. Allele origin: germline.
Comment: This variant was observed in the ICSL laboratory as part of a predisposition screen in an ostensibly healthy population. It had not been previously curated by ICSL or reported in the Human Gene Mutation Database (HGMD: prior to June 1st, 2018), and was therefore a candidate for classification through an automated scoring system. Utilizing variant allele frequency, disease prevalence and penetrance estimates, and inheritance mode, an automated score was calculated to assess if this variant is too frequent to cause the disease. Based on the score and internal cut-off values, a variant classified as benign is not then subjected to further curation. The score for this variant resulted in a classification of benign for this disease.

Center for Pediatric Genomic Medicine, Children's Mercy Hospital and Clinics
Classification: Likely benign. Last evaluated: 2017-06-05. Review status: criteria provided, single submitter. Criteria: ACMG Guidelines, 2015. Collection method: clinical testing. Allele origin: germline.

GeneDx
Classification: Benign. Last evaluated: 2014-12-03. Review status: criteria provided, single submitter. Criteria: GeneDx Variant Classification (06012015). Collection method: clinical testing. Allele origin: germline. Affected: yes.
Comment: This variant is considered likely benign or benign based on one or more of the following criteria: it is a conservative change, it occurs at a poorly conserved position in the protein, it is predicted to be benign by multiple in silico algorithms, and/or has population frequency not consistent with disease.

Literature cited by the submitters: PubMed 29482223 (cited by Athena Diagnostics).